The following is an entry in ClinVar:

ClinVar aggregate classification (germline): Conflicting classifications of pathogenicity. Review status: criteria provided, conflicting classifications (1 of 4 stars). 3 submissions from 3 submitters: Likely pathogenic (2); Uncertain significance (1). Last evaluated 2025-08-22.

Conditions:
Autosomal dominant Alport syndrome (ATS3A). Also called: Alport syndrome dominant type; Renal failure and sensorineural hearing loss; ALPORT SYNDROME 3A, AUTOSOMAL DOMINANT. Identifiers: Orphanet 63, Orphanet 88918, MedGen C5882663, MONDO:0007086, OMIM 104200.
Hematuria, benign familial, 2 (BFH2). Identifiers: MedGen C5830421, MONDO:0958186, OMIM 620320.
Alport syndrome 3b, autosomal recessive. Identifiers: MedGen C5882699, MONDO:0957811, OMIM 620536.
Alport syndrome. Also called: Hemorrhagic familial nephritis; Hemorrhagic hereditary nephritis; Congenital hereditary hematuria. Identifiers: Orphanet 63, MedGen C1567741, MONDO:0018965.

gnomAD v4.1: 1 of 1,613,534 alleles (0.000062%); highest among the groups gnomAD compares: South Asian, 0.0011%; no homozygotes.

Submissions (3):

Natera, Inc.
Classification: Likely pathogenic for Alport syndrome. Last evaluated: 2025-08-22. Review status: criteria provided, single submitter. Criteria: Natera Variant Classification Schema (03/2026). Collection method: clinical testing. Allele origin: germline.
Comment: The c.3875G>C variant in COL4A3 is a missense variant predicted to cause substitution of glycine to alanine at amino acid 1292. This variant is rare in the general population with a frequency below the threshold expected for the associated phenotype(s). This variant is located in a functionally critical region of the protein. Computational prediction algorithms indicate this variant is likely to affect gene or protein function. Given the available evidence, this variant is classified as Likely Pathogenic.

Fulgent Genetics
Classification: Likely pathogenic for Autosomal dominant Alport syndrome; Hematuria, benign familial, 2; Alport syndrome 3b, autosomal recessive. Last evaluated: 2024-04-03. Review status: criteria provided, single submitter. Criteria: ACMG Guidelines, 2015. Collection method: clinical testing. Allele origin: germline.

Juno Genomics, Hangzhou Juno Genomics, Inc
Classification: Uncertain significance for Autosomal dominant Alport syndrome; Alport syndrome 3b, autosomal recessive; Hematuria, benign familial, 2. Review status: criteria provided, single submitter. Criteria: ACMG Guidelines, 2015. Collection method: clinical testing. Allele origin: germline. Affected: yes.
Comment: Absent from controls (or at extremely low frequency if recessive) in Genome Aggregation Database, Exome Sequencing Project, 1000 Genomes Project, or Exome Aggregation Consortium.;Multiple lines of computational evidence support a deleterious effect on the gene or gene product (conservation, evolutionary, splicing impact, etc).

NM_000091.5(COL4A3):c.3875G>C (p.Gly1292Ala)

Genes: COL4A3 (collagen type IV alpha 3 chain; plus strand), MFF-DT (MFF divergent transcript; minus strand). Cytogenetic location: 2q36.3.
Variant type: single nucleotide variant.
Coding change: c.3875G>C on transcript NM_000091.5 (MANE Select); coding-DNA position 3875, G replaced by C.
Protein change: p.Gly1292Ala; replaces glycine 1292 with alanine.
Molecular consequence: missense variant.
Genome position (GRCh38, 1-based): chr2:227,298,805, G>C. VCF-style: chr2-227298805-G-C. GRCh37 (hg19) VCF-style: chr2-228163521-G-C.
Other names: short protein forms G1292A.
Identifiers: ClinVar variation 3586129 (VCV003586129.3).